The following is an entry in ClinVar:

NM_006206.6(PDGFRA):c.3215T>C (p.Met1072Thr)

Gene: PDGFRA (platelet derived growth factor receptor alpha; plus strand). Cytogenetic location: 4q12.
Variant type: single nucleotide variant.
Coding change: c.3215T>C on transcript NM_006206.6 (MANE Select); coding-DNA position 3215, T replaced by C.
Protein change: p.Met1072Thr; replaces methionine 1072 with threonine.
Molecular consequence: missense variant.
Genome position (GRCh38, 1-based): chr4:54,295,217, T>C. VCF-style: chr4-54295217-T-C. GRCh37 (hg19) VCF-style: chr4-55161384-T-C.
Other names: c.3290T>C, p.Met1097Thr (NM_001347828.2); c.3215T>C, p.Met1072Thr (NM_001347829.2); c.3254T>C, p.Met1085Thr (NM_001347830.2); short protein forms M1072T, M1085T, M1097T.
Identifiers: ClinVar variation 966334 (VCV000966334.10), dbSNP rs1560496089, ClinGen allele CA356896645.

ClinVar aggregate classification (germline): Uncertain significance. Review status: criteria provided, multiple submitters, no conflicts (2 of 4 stars). 2 submissions from 2 submitters: Uncertain significance (2). Last evaluated 2025-11-17.

Conditions:
Hereditary cancer-predisposing syndrome. Also called: Hereditary neoplastic syndrome; Neoplastic Syndromes, Hereditary; Hereditary Cancer Syndrome; Tumor predisposition. Identifiers: Orphanet 140162, MedGen C0027672, MeSH D009386, MONDO:0015356.
Gastrointestinal stromal tumor. Also called: Gastrointestinal stromal tumor, somatic; Gastrointestinal stroma tumor. Identifiers: Orphanet 44890, MedGen C0238198, MeSH D046152, MONDO:0011719, OMIM 606764, HP:0100723.

Submissions (2):

Labcorp Genetics (formerly Invitae), Labcorp
Classification: Uncertain significance for Gastrointestinal stromal tumor. Last evaluated: 2025-11-17. Review status: criteria provided, single submitter. Criteria: Invitae Variant Classification Sherloc (09022015). Collection method: clinical testing. Allele origin: germline.
Comment: This sequence change replaces methionine, which is neutral and non-polar, with threonine, which is neutral and polar, at codon 1072 of the PDGFRA protein (p.Met1072Thr). This variant is not present in population databases (gnomAD no frequency). This variant has not been reported in the literature in individuals affected with PDGFRA-related conditions. ClinVar contains an entry for this variant (Variation ID: 966334). An algorithm developed to predict the effect of missense changes on protein structure and function (PolyPhen-2) suggests that this variant is likely to be tolerated. In summary, the available evidence is currently insufficient to determine the role of this variant in disease. Therefore, it has been classified as a Variant of Uncertain Significance.

Ambry Genetics
Classification: Uncertain significance for Hereditary cancer-predisposing syndrome. Last evaluated: 2023-05-05. Review status: criteria provided, single submitter. Criteria: Ambry Variant Classification Scheme 2023. Collection method: clinical testing. Allele origin: germline.
Comment: The p.M1072T variant (also known as c.3215T>C), located in coding exon 22 of the PDGFRA gene, results from a T to C substitution at nucleotide position 3215. The methionine at codon 1072 is replaced by threonine, an amino acid with similar properties. This amino acid position is not well conserved in available vertebrate species. In addition, this alteration is predicted to be tolerated by in silico analysis. Since supporting evidence is limited at this time, the clinical significance of this alteration remains unclear.